The following is an entry in ClinVar:

ClinVar aggregate classification (germline): Likely pathogenic (1 of 4 stars; one submission).

Conditions:
Catecholaminergic polymorphic ventricular tachycardia 1. Also called: VENTRICULAR TACHYCARDIA, STRESS-INDUCED POLYMORPHIC 1; RYR2-Related Catecholaminergic Polymorphic Ventricular Tachycardia; VENTRICULAR TACHYCARDIA, CATECHOLAMINERGIC POLYMORPHIC, 1, WITH OR WITHOUT ATRIAL DYSFUNCTION AND/OR DILATED CARDIOMYOPATHY. Identifiers: Orphanet 3286, MedGen C1631597, MONDO:0011484, OMIM 604772.

Submission:

Labcorp Genetics (formerly Invitae), Labcorp
Classification: Likely pathogenic for Catecholaminergic polymorphic ventricular tachycardia 1. Last evaluated: 2022-03-02. Review status: criteria provided, single submitter. Criteria: Invitae Variant Classification Sherloc (09022015). Collection method: clinical testing. Allele origin: germline.
Comment: In summary, the currently available evidence indicates that the variant is pathogenic, but additional data are needed to prove that conclusively. Therefore, this variant has been classified as Likely Pathogenic. This variant disrupts the p.Ile2419 amino acid residue in RYR2. Other variant(s) that disrupt this residue have been determined to be pathogenic (Invitae). This suggests that this residue is clinically significant, and that variants that disrupt this residue are likely to be disease-causing. Advanced modeling of protein sequence and biophysical properties (such as structural, functional, and spatial information, amino acid conservation, physicochemical variation, residue mobility, and thermodynamic stability) performed at Invitae indicates that this missense variant is expected to disrupt RYR2 protein function. This missense change has been observed in individual(s) with catecholaminergic polymorphic ventricular tachycardia (Invitae). This variant is not present in population databases (gnomAD no frequency). This sequence change replaces isoleucine, which is neutral and non-polar, with threonine, which is neutral and polar, at codon 2419 of the RYR2 protein (p.Ile2419Thr).

NM_001035.3(RYR2):c.7256T>C (p.Ile2419Thr)

Gene: RYR2 (ryanodine receptor 2; plus strand). Cytogenetic location: 1q43.
Variant type: single nucleotide variant.
Coding change: c.7256T>C on transcript NM_001035.3 (MANE Select); coding-DNA position 7256, T replaced by C.
Protein change: p.Ile2419Thr; replaces isoleucine 2419 with threonine.
Molecular consequence: missense variant.
Genome position (GRCh38, 1-based): chr1:237,643,361, T>C. VCF-style: chr1-237643361-T-C. GRCh37 (hg19) VCF-style: chr1-237806661-T-C.
Other names: short protein forms I2419T.
Identifiers: ClinVar variation 2105630 (VCV002105630.4), dbSNP rs1573300872, ClinGen allele CA345396929.